The following is an entry in ClinVar:

NM_004995.4(MMP14):c.1635C>T (p.Pro545=)

Gene: MMP14 (matrix metallopeptidase 14; plus strand). Cytogenetic location: 14q11.2.
Variant type: single nucleotide variant.
Coding change: c.1635C>T on transcript NM_004995.4 (MANE Select); coding-DNA position 1635, C replaced by T.
Protein change: p.Pro545=; no amino-acid change (proline 545 retained).
Molecular consequence: synonymous variant.
Genome position (GRCh38, 1-based): chr14:22,845,925, C>T. VCF-style: chr14-22845925-C-T. GRCh37 (hg19) VCF-style: chr14-23315134-C-T.
Identifiers: ClinVar variation 789221 (VCV000789221.33), dbSNP rs17881739, ClinGen allele CA7105535.

ClinVar aggregate classification (germline): Benign/Likely benign. Review status: criteria provided, multiple submitters, no conflicts (2 of 4 stars). 3 submissions from 3 submitters: Benign (2); Likely benign (1). Last evaluated 2026-04-01.

Allele frequency attached by ClinVar (database versions not stated): 1000 Genomes Project 0.00100; 1000 Genomes Project 30x 0.00172; gnomAD exomes 0.00289; TOPMed 0.00342; ESP Exome Variant Server 0.00385; ExAC 0.00460.
gnomAD v4.1: 8,124 of 1,604,642 alleles (0.51%); highest among the groups gnomAD compares: Non-Finnish European, 0.64%; 32 homozygotes.

Submissions (3):

CeGaT Center for Human Genetics Tuebingen
Classification: Likely benign. Last evaluated: 2026-04-01. Review status: criteria provided, single submitter. Criteria: CeGaT Center For Human Genetics Tuebingen Variant Classification Criteria Version 2. Collection method: clinical testing. Allele origin: germline. Affected: yes. Observed: 3 variant alleles.
Comment: MMP14: BP4, BP7, BS2

Labcorp Genetics (formerly Invitae), Labcorp
Classification: Benign. Last evaluated: 2026-01-23. Review status: criteria provided, single submitter. Criteria: Invitae Variant Classification Sherloc (09022015). Collection method: clinical testing. Allele origin: germline.

Breakthrough Genomics
Classification: Benign. Review status: criteria provided, single submitter. Criteria: ACMG Guidelines, 2015. Collection method: not provided. Allele origin: germline. Inheritance: Unknown mechanism. Affected: yes.